The following is an entry in ClinVar:

NM_003640.5(ELP1):c.1877A>G (p.Asp626Gly)

Gene: ELP1 (elongator acetyltransferase complex subunit 1; minus strand). Cytogenetic location: 9q31.3.
Variant type: single nucleotide variant.
Coding change: c.1877A>G on transcript NM_003640.5 (MANE Select); coding-DNA position 1877, A replaced by G.
Protein change: p.Asp626Gly; replaces aspartic acid 626 with glycine.
Molecular consequence: missense variant.
Genome position (GRCh38, 1-based): chr9:108,901,659, T>C on the plus strand (A>G on the coding strand, the complement: ELP1 is on the minus strand). VCF-style: chr9-108901659-T-C. GRCh37 (hg19) VCF-style: chr9-111663939-T-C.
Other names: c.1535A>G, p.Asp512Gly (NM_001318360.2); c.830A>G, p.Asp277Gly (NM_001330749.2); short protein forms D626G, D277G, D512G.
Identifiers: ClinVar variation 1353138 (VCV001353138.8), dbSNP rs2131992524, ClinGen allele CA374424927.

ClinVar aggregate classification (germline): Uncertain significance (1 of 4 stars; one submission).

Allele frequency attached by ClinVar (database versions not stated): gnomAD exomes below 0.00001.
gnomAD v4.1: 1 of 1,614,174 alleles (0.000062%); highest among the groups gnomAD compares: South Asian, 0.0011%; no homozygotes.

Submission:

Labcorp Genetics (formerly Invitae), Labcorp
Classification: Uncertain significance. Last evaluated: 2020-12-03. Review status: criteria provided, single submitter. Criteria: Invitae Variant Classification Sherloc (09022015). Collection method: clinical testing. Allele origin: germline.
Comment: In summary, the available evidence is currently insufficient to determine the role of this variant in disease. Therefore, it has been classified as a Variant of Uncertain Significance. Algorithms developed to predict the effect of missense changes on protein structure and function are either unavailable or do not agree on the potential impact of this missense change (SIFT: "Tolerated"; PolyPhen-2: "Possibly Damaging"; Align-GVGD: "Class C0"). This variant has not been reported in the literature in individuals with ELP1-related conditions. This variant is not present in population databases (ExAC no frequency). This sequence change replaces aspartic acid with glycine at codon 626 of the ELP1 protein (p.Asp626Gly). The aspartic acid residue is moderately conserved and there is a moderate physicochemical difference between aspartic acid and glycine.